The following is an entry in ClinVar:

NM_005120.3(MED12):c.3979C>A (p.Pro1327Thr)

Gene: MED12 (mediator complex subunit 12; plus strand). Cytogenetic location: Xq13.1.
Variant type: single nucleotide variant.
Coding change: c.3979C>A on transcript NM_005120.3 (MANE Select); coding-DNA position 3979, C replaced by A.
Protein change: p.Pro1327Thr; replaces proline 1327 with threonine.
Molecular consequence: missense variant.
Genome position (GRCh38, 1-based): chrX:71,130,146, C>A. VCF-style: chrX-71130146-C-A. GRCh37 (hg19) VCF-style: chrX-70349996-C-A.
Other names: short protein forms P1327T.
Identifiers: ClinVar variation 587868 (VCV000587868.3), dbSNP rs1569481764, ClinGen allele CA413523957.

ClinVar aggregate classification (germline): Uncertain significance (1 of 4 stars; one submission).

Conditions:
History of neurodevelopmental disorder. Identifiers: MedGen C2711754.

Submission:

Ambry Genetics
Classification: Uncertain significance for History of neurodevelopmental disorder. Last evaluated: 2016-05-03. Review status: criteria provided, single submitter. Criteria: Ambry Autosomal Dominant and X-Linked criteria (10/2015). Collection method: clinical testing. Allele origin: germline. Observed: 1 variant allele.
Comment: The p.P1327T variant (also known as c.3979C>A), located in coding exon 28 of the MED12 gene, results from a C to A substitution at nucleotide position 3979. The proline at codon 1327 is replaced by threonine, an amino acid with highly similar properties. This variant was not reported in population based cohorts in the following databases: Database of Single Nucleotide Polymorphisms (dbSNP), NHLBI Exome Sequencing Project (ESP), and 1000 Genomes Project. In the ESP, this variant was not observed in 6207 samples with coverage at this position. This amino acid position is highly conserved in available vertebrate species. In addition, this alteration is predicted to be deleterious by in silico analysis.Since supporting evidence is limited at this time, the clinical significance of this alteration remains unclear.